The following is an entry in ClinVar:

NM_000932.5(PLCB3):c.1649T>C (p.Leu550Pro)

Gene: PLCB3 (phospholipase C beta 3; plus strand). Cytogenetic location: 11q13.1.
Variant type: single nucleotide variant.
Coding change: c.1649T>C on transcript NM_000932.5 (MANE Select); coding-DNA position 1649, T replaced by C.
Protein change: p.Leu550Pro; replaces leucine 550 with proline.
Molecular consequence: missense variant.
Genome position (GRCh38, 1-based): chr11:64,260,152, T>C. VCF-style: chr11-64260152-T-C. GRCh37 (hg19) VCF-style: chr11-64027624-T-C.
Other names: c.1448T>C, p.Leu483Pro (NM_001184883.2); c.1649T>C, p.Leu550Pro (NM_001316314.3); short protein forms L483P, L550P.
Identifiers: ClinVar variation 2641912 (VCV002641912.24), dbSNP rs755416443, ClinGen allele CA6071531.
Genomic context (GRCh38, chr11:64,260,152, plus strand): 5'-CCAGCCTGGAGCCTCAGAAGTCTCTGGGTGACGAGGGCCTGAACCGAGGCCCCTATGTTC[T>C]TGGACCTGCTGACCGTGAGGATGAGGAGGAAGATGAGGAAGAGGAGGAACAGACAGACCC-3'
Protein context (NP_000923.1, residues 540-560): DEGLNRGPYV[Leu550Pro]GPADREDEEE

ClinVar aggregate classification (germline): Uncertain significance (1 of 4 stars; one submission).

gnomAD v4.1: 15 of 1,610,322 alleles (0.00093%); highest among the groups gnomAD compares: Non-Finnish European, 0.0013%; no homozygotes.

Submission:

CeGaT Center for Human Genetics Tuebingen
Classification: Uncertain significance. Last evaluated: 2023-10-01. Review status: criteria provided, single submitter. Criteria: CeGaT Center For Human Genetics Tuebingen Variant Classification Criteria Version 2. Collection method: clinical testing. Allele origin: germline. Affected: yes. Observed: 1 variant allele.
Comment: PLCB3: PM2, BP4